The following is an entry in ClinVar:

ClinVar aggregate classification (germline): Uncertain significance (1 of 4 stars; one submission).

Allele frequency attached by ClinVar (database versions not stated): ExAC 0.00001.

Submission:

Labcorp Genetics (formerly Invitae), Labcorp
Classification: Uncertain significance. Last evaluated: 2022-07-15. Review status: criteria provided, single submitter. Criteria: Invitae Variant Classification Sherloc (09022015). Collection method: clinical testing. Allele origin: germline.
Comment: This sequence change replaces tyrosine, which is neutral and polar, with cysteine, which is neutral and slightly polar, at codon 2370 of the VPS13A protein (p.Tyr2370Cys). This variant is present in population databases (rs775261876, gnomAD 0.0009%). This variant has not been reported in the literature in individuals affected with VPS13A-related conditions. Algorithms developed to predict the effect of missense changes on protein structure and function (SIFT, PolyPhen-2, Align-GVGD) all suggest that this variant is likely to be tolerated. In summary, the available evidence is currently insufficient to determine the role of this variant in disease. Therefore, it has been classified as a Variant of Uncertain Significance.

NM_033305.3(VPS13A):c.7109A>G (p.Tyr2370Cys)

Gene: VPS13A (vacuolar protein sorting 13 homolog A; plus strand). Cytogenetic location: 9q21.2.
Variant type: single nucleotide variant.
Coding change: c.7109A>G on transcript NM_033305.3 (MANE Select); coding-DNA position 7109, A replaced by G.
Protein change: p.Tyr2370Cys; replaces tyrosine 2370 with cysteine.
Molecular consequence: missense variant.
Genome position (GRCh38, 1-based): chr9:77,344,235, A>G. VCF-style: chr9-77344235-A-G. GRCh37 (hg19) VCF-style: chr9-79959151-A-G.
Other names: c.6992A>G, p.Tyr2331Cys (NM_001018037.2); c.7109A>G, p.Tyr2370Cys (NM_001018038.3, NM_015186.4); short protein forms Y2331C, Y2370C.
Identifiers: ClinVar variation 1950371 (VCV001950371.5), dbSNP rs775261876, ClinGen allele CA5093213.
Genomic context (GRCh38, chr9:77,344,235, plus strand): 5'-ATGCTTCTAGTAAACTTCTTATTCAAGTCGAAAGGAGTGAAGATCCTCCCAAAAGGATAT[A>G]TTTTAACAAGCAGGAAAATTGTATTCTATTGCGTCTAGATAACGAGGTAAGTTTTTTTTT-3'
Protein context (NP_150648.2, residues 2360-2380): ERSEDPPKRI[Tyr2370Cys]FNKQENCILL